The following is an entry in ClinVar:

ClinVar aggregate classification (germline): Benign (1 of 4 stars; one submission).

Allele frequency attached by ClinVar (database versions not stated): gnomAD 0.03985 and 0.04293; 1000 Genomes Project 0.04014; 1000 Genomes Project 30x 0.04450; TOPMed 0.04593.
gnomAD v4.1: 6,000 of 152,228 alleles (3.9%); highest among the groups gnomAD compares: African/African-American, 14%; 391 homozygotes.

Submission:

GeneDx
Classification: Benign. Last evaluated: 2018-06-16. Review status: criteria provided, single submitter. Criteria: GeneDx Variant Classification (06012015). Collection method: clinical testing. Allele origin: germline. Affected: yes.
Comment: This variant is considered likely benign or benign based on one or more of the following criteria: it is a conservative change, it occurs at a poorly conserved position in the protein, it is predicted to be benign by multiple in silico algorithms, and/or has population frequency not consistent with disease.

NM_001184.4(ATR):c.3582-302T>C

Gene: ATR (ATR checkpoint kinase; minus strand). Cytogenetic location: 3q23.
Variant type: single nucleotide variant.
Coding change: c.3582-302T>C on transcript NM_001184.4 (MANE Select); 302 bases into the intron before coding-DNA position 3582, T replaced by C.
Molecular consequence: intron variant.
Genome position (GRCh38, 1-based): chr3:142,538,927, A>G on the plus strand (T>C on the coding strand, the complement: ATR is on the minus strand). VCF-style: chr3-142538927-A-G. GRCh37 (hg19) VCF-style: chr3-142257769-A-G.
Other names: c.3390-302T>C (NM_001354579.2).
Identifiers: ClinVar variation 675577 (VCV000675577.1), dbSNP rs79841072, ClinGen allele CA16160042.